The following is an entry in ClinVar:

ClinVar aggregate classification (germline): Likely benign (1 of 4 stars; one submission).

Conditions:
Porphobilinogen synthase deficiency. Also called: ALAD DEFICIENCY; DELTA-AMINOLEVULINATE DEHYDRATASE DEFICIENCY; DOSS PORPHYRIA; PORPHYRIA, ALAD; Porphyria due to ALA dehydratase deficiency. Identifiers: Orphanet 100924, MedGen C0268328, MONDO:0013000, OMIM 612740.

Allele frequency attached by ClinVar (database versions not stated): 1000 Genomes Project 30x 0.00156; 1000 Genomes Project 0.00160; TOPMed 0.00196; gnomAD 0.00230 and 0.00233.

Submission:

Illumina Laboratory Services, Illumina
Classification: Likely benign for Porphobilinogen synthase deficiency. Last evaluated: 2018-01-13. Review status: criteria provided, single submitter. Criteria: ICSL Variant Classification Criteria 13 December 2019. Collection method: clinical testing. Allele origin: germline.
Comment: This variant was observed in the ICSL laboratory as part of a predisposition screen in an ostensibly healthy population. It had not been previously curated by ICSL or reported in the Human Gene Mutation Database (HGMD: prior to June 1st, 2018), and was therefore a candidate for classification through an automated scoring system. Utilizing variant allele frequency, disease prevalence and penetrance estimates, and inheritance mode, an automated score was calculated to assess if this variant is too frequent to cause the disease. Based on the score and internal cut-off values, a variant classified as likely benign is not then subjected to further curation. The score for this variant resulted in a classification of likely benign for this disease.

NM_000031.6(ALAD):c.*771C>T

Gene: ALAD (aminolevulinate dehydratase; minus strand). Cytogenetic location: 9q32.
Variant type: single nucleotide variant.
Coding change: c.*771C>T on transcript NM_000031.6 (MANE Select); 771 bases downstream of the stop codon, C replaced by T.
Molecular consequence: 3 prime UTR variant.
Genome position (GRCh38, 1-based): chr9:113,387,529, G>A on the plus strand (C>T on the coding strand, the complement: ALAD is on the minus strand). VCF-style: chr9-113387529-G-A. GRCh37 (hg19) VCF-style: chr9-116149809-G-A.
Other names: c.*771C>T (NM_001003945.3, NM_001317745.2).
Identifiers: ClinVar variation 915039 (VCV000915039.4), dbSNP rs149384214, ClinGen allele CA198542616.
Genomic context (GRCh38, chr9:113,387,529, plus strand): 5'-CACAATTTGTAACTGCTTTATTTCTTTGTTTTCTTCTTAGCTGTCTCCCCAATTCTCTTT[G>A]TATAATTTCTATGAAGAGATAAGCTGAGGTCTGTCCTGCTGTATTCCCAGGACCCAGCAC-3'